The following is an entry in ClinVar:

NM_017671.5(FERMT1):c.-18-22T>C

Gene: FERMT1 (FERM domain containing kindlin 1; minus strand). Cytogenetic location: 20p12.3.
Variant type: single nucleotide variant.
Coding change: c.-18-22T>C on transcript NM_017671.5 (MANE Select); 22 bases into the intron before 18 bases upstream of the start codon, T replaced by C.
Molecular consequence: intron variant.
Genome position (GRCh38, 1-based): chr20:6,119,594, A>G on the plus strand (T>C on the coding strand, the complement: FERMT1 is on the minus strand). VCF-style: chr20-6119594-A-G. GRCh37 (hg19) VCF-style: chr20-6100241-A-G.
Identifiers: ClinVar variation 1239722 (VCV001239722.6), dbSNP rs2273422, ClinGen allele CA9758577.

ClinVar aggregate classification (germline): Benign. Review status: criteria provided, multiple submitters, no conflicts (2 of 4 stars). 3 submissions from 3 submitters: Benign (3). Last evaluated 2024-01-24.

Allele frequency attached by ClinVar (database versions not stated): ESP Exome Variant Server 0.04898; gnomAD exomes 0.06523 and 0.10657; gnomAD 0.06804 and 0.07564; TOPMed 0.08382; ExAC 0.10591; 1000 Genomes Project 30x 0.16115; 1000 Genomes Project 0.16833.
gnomAD v4.1: 106,835 of 1,597,866 alleles (6.7%); highest among the groups gnomAD compares: East Asian, 48%; 8,521 homozygotes.

Submissions (3):

Unidad de Genómica Garrahan, Hospital de Pediatría Garrahan
Classification: Benign. Last evaluated: 2024-01-24. Review status: criteria provided, single submitter. Criteria: ACMG Guidelines, 2015. Collection method: clinical testing. Allele origin: germline. Affected: no. Observed: 31 variant alleles.
Comment: This variant is classified as Benign based on local population frequency. This variant was detected in 35% of patients studied by a panel of primary immunodeficiencies. Number of patients: 31. Only high quality variants are reported.

GeneDx
Classification: Benign. Last evaluated: 2021-05-12. Review status: criteria provided, single submitter. Criteria: GeneDx Variant Classification Process June 2021. Collection method: clinical testing. Allele origin: germline. Affected: yes.

Breakthrough Genomics
Classification: Benign. Review status: criteria provided, single submitter. Criteria: ACMG Guidelines, 2015. Collection method: not provided. Allele origin: germline. Inheritance: Autosomal recessive inheritance. Affected: yes.